The following is an entry in ClinVar:

ClinVar aggregate classification (germline): Pathogenic (1 of 4 stars; one submission).

Conditions:
Long QT syndrome (LQTS). Identifiers: MedGen C0023976, MeSH D008133, MONDO:0002442. Disease mechanism: loss of function. Inheritance: Various modes of inheritance.

Submission:

Labcorp Genetics (formerly Invitae), Labcorp
Classification: Pathogenic for Long QT syndrome. Last evaluated: 2023-08-17. Review status: criteria provided, single submitter. Criteria: Invitae Variant Classification Sherloc (09022015). Collection method: clinical testing. Allele origin: germline.
Comment: ClinVar contains an entry for this variant (Variation ID: 1018501). This missense change has been observed in individuals with clinical features of long QT syndrome (Invitae). This variant is not present in population databases (gnomAD no frequency). This sequence change replaces methionine, which is neutral and non-polar, with threonine, which is neutral and polar, at codon 520 of the KCNQ1 protein (p.Met520Thr). Advanced modeling of protein sequence and biophysical properties (such as structural, functional, and spatial information, amino acid conservation, physicochemical variation, residue mobility, and thermodynamic stability) performed at Invitae indicates that this missense variant is expected to disrupt KCNQ1 protein function. This variant disrupts the p.Met520 amino acid residue in KCNQ1. Other variant(s) that disrupt this residue have been determined to be pathogenic (PMID: 22456477, 22949429, 26669661). This suggests that this residue is clinically significant, and that variants that disrupt this residue are likely to be disease-causing. For these reasons, this variant has been classified as Pathogenic.

Literature cited by the submitters: PubMed 22456477; PubMed 22949429; PubMed 26669661.

NM_000218.3(KCNQ1):c.1559T>C (p.Met520Thr)

Gene: KCNQ1 (potassium voltage-gated channel subfamily Q member 1; plus strand). Cytogenetic location: 11p15.5.
Variant type: single nucleotide variant.
Coding change: c.1559T>C on transcript NM_000218.3 (MANE Select); coding-DNA position 1559, T replaced by C.
Protein change: p.Met520Thr; replaces methionine 520 with threonine.
Molecular consequence: missense variant.
Genome position (GRCh38, 1-based): chr11:2,768,888, T>C. VCF-style: chr11-2768888-T-C. GRCh37 (hg19) VCF-style: chr11-2790118-T-C.
Other names: c.1463T>C, p.Met488Thr (NM_001406836.1); c.1289T>C, p.Met430Thr (NM_001406837.1); c.1019T>C, p.Met340Thr (NM_001406838.1); c.1178T>C, p.Met393Thr (NM_181798.2); short protein forms M393T, M520T, M430T, M488T, M340T.
Identifiers: ClinVar variation 1018501 (VCV001018501.10), dbSNP rs199473479, ClinGen allele CA379138973.